The following is an entry in ClinVar:

NM_032656.4(DHX37):c.2894T>C (p.Phe965Ser)

Gene: DHX37 (DEAH-box helicase 37; minus strand). Cytogenetic location: 12q24.31.
Variant type: single nucleotide variant.
Coding change: c.2894T>C on transcript NM_032656.4 (MANE Select); coding-DNA position 2894, T replaced by C.
Protein change: p.Phe965Ser; replaces phenylalanine 965 with serine.
Molecular consequence: missense variant.
Genome position (GRCh38, 1-based): chr12:124,950,779, A>G on the plus strand (T>C on the coding strand, the complement: DHX37 is on the minus strand). VCF-style: chr12-124950779-A-G. GRCh37 (hg19) VCF-style: chr12-125435325-A-G.
Other names: short protein forms F965S.
Identifiers: ClinVar variation 3631735 (VCV003631735.2).
Genomic context (GRCh38, chr12:124,950,779, plus strand): 5'-ATTTCCTGGTAGACCACAAACTCGGGGAGCTCTTTGAAAAGGACGGAGCTGGGGTGGATG[A>G]AGACAGGGTCGTCGAGGAGAGGGGTCTGCAGAGAATGGAGAGTGATGTGGTCAGGGAAGA-3'
Protein context (NP_116045.2, residues 955-975): YKTPLLDDPV[Phe965Ser]IHPSSVLFKE

ClinVar aggregate classification (germline): Uncertain significance (1 of 4 stars; one submission).

gnomAD v4.1: 25 of 1,607,672 alleles (0.0016%); highest among the groups gnomAD compares: Non-Finnish European, 0.002%; no homozygotes.

Submission:

Labcorp Genetics (formerly Invitae), Labcorp
Classification: Uncertain significance. Last evaluated: 2024-11-05. Review status: criteria provided, single submitter. Criteria: Invitae Variant Classification Sherloc (09022015). Collection method: clinical testing. Allele origin: germline.
Comment: This sequence change replaces phenylalanine, which is neutral and non-polar, with serine, which is neutral and polar, at codon 965 of the DHX37 protein (p.Phe965Ser). This variant is present in population databases (rs375762765, gnomAD 0.002%). This variant has not been reported in the literature in individuals affected with DHX37-related conditions. Invitae Evidence Modeling of protein sequence and biophysical properties (such as structural, functional, and spatial information, amino acid conservation, physicochemical variation, residue mobility, and thermodynamic stability) has been performed for this missense variant. However, the output from this modeling did not meet the statistical confidence thresholds required to predict the impact of this variant on DHX37 protein function. In summary, the available evidence is currently insufficient to determine the role of this variant in disease. Therefore, it has been classified as a Variant of Uncertain Significance.